The following is an entry in ClinVar:

NM_001136193.2(FASTKD2):c.782G>C (p.Arg261Pro)

Genes: FASTKD2 (FAST kinase domains 2; plus strand), LOC126806484 (CDK7 strongly-dependent group 2 enhancer GRCh37_chr2:207634423-207635622; plus strand). Cytogenetic location: 2q33.3.
Variant type: single nucleotide variant.
Coding change: c.782G>C on transcript NM_001136193.2 (MANE Select); coding-DNA position 782, G replaced by C.
Protein change: p.Arg261Pro; replaces arginine 261 with proline.
Molecular consequence: missense variant.
Genome position (GRCh38, 1-based): chr2:206,770,095, G>C. VCF-style: chr2-206770095-G-C. GRCh37 (hg19) VCF-style: chr2-207634819-G-C.
Other names: c.782G>C, p.Arg261Pro (NM_001136194.2, NM_014929.4); short protein forms R261P.
Identifiers: ClinVar variation 2505015 (VCV002505015.1), dbSNP rs918461594, ClinGen allele CA350074997.

ClinVar aggregate classification (germline): Uncertain significance (1 of 4 stars; one submission).

Submission:

GeneDx
Classification: Uncertain significance. Last evaluated: 2022-12-07. Review status: criteria provided, single submitter. Criteria: GeneDx Variant Classification Process June 2021. Collection method: clinical testing. Allele origin: germline. Affected: yes.
Comment: Not observed at significant frequency in large population cohorts (gnomAD); In silico analysis supports that this missense variant has a deleterious effect on protein structure/function; Has not been previously published as pathogenic or benign to our knowledge